The following is an entry in ClinVar:

ClinVar aggregate classification (germline): Uncertain significance. Review status: criteria provided, multiple submitters, no conflicts (2 of 4 stars). 2 submissions from 2 submitters: Uncertain significance (2). Last evaluated 2024-12-30.

Conditions:
Inborn genetic diseases. Identifiers: MedGen C0950123, MeSH D030342.
Pulmonary fibrosis and/or bone marrow failure, Telomere-related, 3. Also called: PULMONARY FIBROSIS AND/OR BONE MARROW FAILURE SYNDROME, TELOMERE-RELATED, 3. Identifiers: Orphanet 2032, MedGen C4225346, MONDO:0014613, OMIM 616373.
Dyskeratosis congenita, autosomal recessive 5 (DKCB5). Identifiers: MedGen C3554656, MONDO:0014076, OMIM 615190.

Allele frequency attached by ClinVar (database versions not stated): TOPMed below 0.00001; ExAC 0.00001; ESP Exome Variant Server 0.00008.
gnomAD v4.1: 16 of 1,611,834 alleles (0.00099%); highest among the groups gnomAD compares: Non-Finnish European, 0.0013%; no homozygotes.

Submissions (2):

Labcorp Genetics (formerly Invitae), Labcorp
Classification: Uncertain significance for Dyskeratosis congenita, autosomal recessive 5; Pulmonary fibrosis and/or bone marrow failure, Telomere-related, 3. Last evaluated: 2024-12-30. Review status: criteria provided, single submitter. Criteria: Invitae Variant Classification Sherloc (09022015). Collection method: clinical testing. Allele origin: germline.
Comment: This sequence change replaces histidine, which is basic and polar, with tyrosine, which is neutral and polar, at codon 375 of the RTEL1 protein (p.His375Tyr). The frequency data for this variant in the population databases is considered unreliable, as metrics indicate poor data quality at this position in the gnomAD database. This variant has not been reported in the literature in individuals affected with RTEL1-related conditions. ClinVar contains an entry for this variant (Variation ID: 2171234). An algorithm developed to predict the effect of missense changes on protein structure and function (PolyPhen-2) suggests that this variant is likely to be tolerated. In summary, the available evidence is currently insufficient to determine the role of this variant in disease. Therefore, it has been classified as a Variant of Uncertain Significance.

Ambry Genetics
Classification: Uncertain significance for Inborn genetic diseases. Last evaluated: 2022-08-08. Review status: criteria provided, single submitter. Criteria: Ambry Variant Classification Scheme 2023. Collection method: clinical testing. Allele origin: germline.

NM_001283009.2(RTEL1):c.1123C>T (p.His375Tyr)

Genes: RTEL1 (regulator of telomere elongation helicase 1; plus strand), RTEL1-TNFRSF6B (RTEL1-TNFRSF6B readthrough (NMD candidate); plus strand). Cytogenetic location: 20q13.33.
Variant type: single nucleotide variant.
Coding change: c.1123C>T on transcript NM_001283009.2 (MANE Select); coding-DNA position 1123, C replaced by T.
Protein change: p.His375Tyr; replaces histidine 375 with tyrosine.
Molecular consequence: missense variant. On other transcripts: non-coding transcript variant (1).
Genome position (GRCh38, 1-based): chr20:63,679,934, C>T. VCF-style: chr20-63679934-C-T. GRCh37 (hg19) VCF-style: chr20-62311287-C-T.
Other names: c.1195C>T (NM_032957.4); c.454C>T, p.His152Tyr (NM_001283010.1); c.1123C>T, p.His375Tyr (NM_016434.4); c.1195C>T, p.His399Tyr (NM_032957.5); short protein forms H152Y, H375Y, H399Y.
Identifiers: ClinVar variation 2171234 (VCV002171234.4), dbSNP rs376411169, ClinGen allele CA9964604.
Genomic context (GRCh38, chr20:63,679,934, plus strand): 5'-GCCCAGATCACGTTTCAGACCAAGGGCTGCATCCTGGACTCGCTGGACCAGATCATCCAG[C>T]ACCTGGCAGGACGTGAGTGCTGGCACGGGGTCTTTGGTGCGGGCAAATGTGGCGTAGGGG-3'
Protein context (NP_001269938.1, residues 365-385): ILDSLDQIIQ[His375Tyr]LAGRAGVFTN